The following is an entry in ClinVar:

NM_001372.4(DNAH9):c.7946C>G (p.Pro2649Arg)

Gene: DNAH9 (dynein axonemal heavy chain 9; plus strand). Cytogenetic location: 17p12.
Variant type: single nucleotide variant.
Coding change: c.7946C>G on transcript NM_001372.4 (MANE Select); coding-DNA position 7946, C replaced by G.
Protein change: p.Pro2649Arg; replaces proline 2649 with arginine.
Molecular consequence: missense variant.
Genome position (GRCh38, 1-based): chr17:11,784,424, C>G. VCF-style: chr17-11784424-C-G. GRCh37 (hg19) VCF-style: chr17-11687741-C-G.
Other names: short protein forms P2649R.
Identifiers: ClinVar variation 1418692 (VCV001418692.8), dbSNP rs769309620, ClinGen allele CA8396782.

ClinVar aggregate classification (germline): Uncertain significance (1 of 4 stars; one submission).

Allele frequency attached by ClinVar (database versions not stated): gnomAD 0.00001 and 0.00002; gnomAD exomes 0.00002 and 0.00003; TOPMed 0.00002; ExAC 0.00003.
gnomAD v4.1: 27 of 1,614,076 alleles (0.0017%); highest among the groups gnomAD compares: East Asian, 0.04%; no homozygotes.

Submission:

Labcorp Genetics (formerly Invitae), Labcorp
Classification: Uncertain significance. Last evaluated: 2024-01-18. Review status: criteria provided, single submitter. Criteria: Invitae Variant Classification Sherloc (09022015). Collection method: clinical testing. Allele origin: germline.
Comment: This sequence change replaces proline, which is neutral and non-polar, with arginine, which is basic and polar, at codon 2649 of the DNAH9 protein (p.Pro2649Arg). This variant is present in population databases (rs769309620, gnomAD 0.03%). This variant has not been reported in the literature in individuals affected with DNAH9-related conditions. ClinVar contains an entry for this variant (Variation ID: 1418692). Advanced modeling of protein sequence and biophysical properties (such as structural, functional, and spatial information, amino acid conservation, physicochemical variation, residue mobility, and thermodynamic stability) performed at Invitae indicates that this missense variant is not expected to disrupt DNAH9 protein function with a negative predictive value of 80%. In summary, the available evidence is currently insufficient to determine the role of this variant in disease. Therefore, it has been classified as a Variant of Uncertain Significance.